The following is an entry in ClinVar:

ClinVar aggregate classification (germline): Benign/Likely benign. Review status: criteria provided, multiple submitters, no conflicts (2 of 4 stars). 10 submissions from 10 submitters: Benign (4); Likely benign (4). 2 of the submissions do not count toward it. Last evaluated 2026-02-01.

Conditions:
Autoimmune lymphoproliferative syndrome type 1. Also called: AUTOIMMUNE LYMPHOPROLIFERATIVE SYNDROME, TYPE I, AUTOSOMAL DOMINANT. Identifiers: Orphanet 3261, MedGen C2717884, MONDO:0011158, OMIM 601859.

Allele frequency attached by ClinVar (database versions not stated): gnomAD exomes 0.00992; ExAC 0.01221; gnomAD 0.03654 and 0.03995; ESP Exome Variant Server 0.04029; 1000 Genomes Project 0.04173; TOPMed 0.04189; 1000 Genomes Project 30x 0.04450.
gnomAD v4.1: 11,522 of 1,614,004 alleles (0.71%); highest among the groups gnomAD compares: African/African-American, 13%; 664 homozygotes.

Submissions (10):

Labcorp Genetics (formerly Invitae), Labcorp
Classification: Benign for Autoimmune lymphoproliferative syndrome. Last evaluated: 2026-02-01. Review status: criteria provided, single submitter. Criteria: Invitae Variant Classification Sherloc (09022015). Collection method: clinical testing. Allele origin: germline.

Women's Health and Genetics/Laboratory Corporation of America, LabCorp
Classification: Likely benign. Last evaluated: 2026-01-22. Review status: criteria provided, single submitter. Criteria: LabCorp Variant Classification Summary - May 2015. Collection method: clinical testing. Allele origin: germline.

Blueprint Genetics
Classification: Likely benign. Last evaluated: 2024-11-27. Review status: criteria provided, single submitter. Criteria: ACMG Guidelines, 2015. Collection method: clinical testing. Allele origin: germline.

Mayo Clinic Laboratories, Mayo Clinic
Classification: Benign. Last evaluated: 2024-05-22. Review status: criteria provided, single submitter. Criteria: ACMG Guidelines, 2015. Collection method: clinical testing. Allele origin: germline. Observed: 5 variant alleles.
Comment: BA1, BS2

Illumina Laboratory Services, Illumina
Classification: Benign for Autoimmune lymphoproliferative syndrome type 1. Last evaluated: 2017-04-27. Review status: criteria provided, single submitter. Criteria: ICSL Variant Classification Criteria 13 December 2019. Collection method: clinical testing. Allele origin: germline.
Comment: This variant was observed as part of a predisposition screen in an ostensibly healthy population. A literature search was performed for the gene, cDNA change, and amino acid change (where applicable). No publications were found based on this search. Allele frequency data from public databases was too high to be consistent with this variant causing disease. Therefore, this variant is classified as benign.

Genome Diagnostics Laboratory, University Medical Center Utrecht
Classification: Likely benign for Autoimmune lymphoproliferative syndrome type 1. Last evaluated: 2016-11-01. Review status: criteria provided, single submitter. Criteria: ACGS Guidelines, 2013. Collection method: clinical testing. Allele origin: germline. Affected: yes. Study: VKGL Data-share Consensus.

GeneDx
Classification: Benign. Last evaluated: 2015-03-03. Review status: criteria provided, single submitter. Criteria: GeneDx Variant Classification Process June 2021. Collection method: clinical testing. Allele origin: germline. Affected: yes.
Comment: This variant is associated with the following publications: (PMID: 27153395, 10090885, 24728327)

Breakthrough Genomics
Classification: Likely benign. Review status: criteria provided, single submitter. Criteria: ACMG Guidelines, 2015. Collection method: not provided. Allele origin: germline. Inheritance: Autosomal dominant inheritance. Affected: yes.

Genome Diagnostics Laboratory, Amsterdam University Medical Center
Classification: Benign for Autoimmune lymphoproliferative syndrome type 1. Last evaluated: 2016-01-22. Review status: no assertion criteria provided. Criteria: ACGS Guidelines, 2013. Collection method: clinical testing. Allele origin: germline. Affected: yes. Study: VKGL Data-share Consensus. Not counted in ClinVar's aggregate classification.

ITMI
No classification provided. Condition: AllHighlyPenetrant. Last evaluated: 2013-09-19. Review status: no classification provided. Collection method: reference population. Allele origin: germline. Not counted in ClinVar's aggregate classification.
Comment: Please see associated publication for description of ethnicities

Literature cited by the submitters: PubMed 10090885 (cited by Mayo Clinic Laboratories, Mayo Clinic); PubMed 24728327 (cited by Mayo Clinic Laboratories, Mayo Clinic and ITMI); PubMed 27153395 (cited by Mayo Clinic Laboratories, Mayo Clinic).

NM_000043.6(FAS):c.46G>A (p.Ala16Thr)

Gene: FAS (Fas cell surface death receptor; plus strand). Cytogenetic location: 10q23.31.
Variant type: single nucleotide variant.
Coding change: c.46G>A on transcript NM_000043.6 (MANE Select); coding-DNA position 46, G replaced by A.
Protein change: p.Ala16Thr; replaces alanine 16 with threonine.
Molecular consequence: missense variant. On other transcripts: non-coding transcript variant (7).
Genome position (GRCh38, 1-based): chr10:89,003,044, G>A. VCF-style: chr10-89003044-G-A. GRCh37 (hg19) VCF-style: chr10-90762801-G-A.
Other names: c.46G>A, p.Ala16Thr (NM_001320619.2, NM_152871.4, NM_152872.4); short protein forms A16T.
Identifiers: ClinVar variation 134371 (VCV000134371.22), dbSNP rs3218619, ClinGen allele CA159628.